The following is an entry in ClinVar:

ClinVar aggregate classification (germline): Uncertain significance. Review status: criteria provided, multiple submitters, no conflicts (2 of 4 stars). 2 submissions from 2 submitters: Uncertain significance (2). Last evaluated 2024-02-02.

Conditions:
Charcot-Marie-Tooth disease axonal type 2F (CMT2F). Also called: CHARCOT-MARIE-TOOTH DISEASE, NEURONAL, TYPE 2F; Charcot-Marie-Tooth Neuropathy Type 2F. Identifiers: Orphanet 99940, MedGen C1847823, MONDO:0011687, OMIM 606595.

Allele frequency attached by ClinVar (database versions not stated): gnomAD exomes 0.00001; TOPMed 0.00001; ExAC 0.00003.
gnomAD v4.1: 19 of 1,602,634 alleles (0.0012%); highest among the groups gnomAD compares: Non-Finnish European, 0.0015%; no homozygotes.

Submissions (2):

GeneDx
Classification: Uncertain significance. Last evaluated: 2024-02-02. Review status: criteria provided, single submitter. Criteria: GeneDx Variant Classification Process June 2021. Collection method: clinical testing. Allele origin: germline. Affected: yes.
Comment: Not observed at significant frequency in large population cohorts (gnomAD); In silico analysis supports that this missense variant does not alter protein structure/function; Has not been previously published as pathogenic or benign to our knowledge

Labcorp Genetics (formerly Invitae), Labcorp
Classification: Uncertain significance for Charcot-Marie-Tooth disease axonal type 2F. Last evaluated: 2023-02-13. Review status: criteria provided, single submitter. Criteria: Invitae Variant Classification Sherloc (09022015). Collection method: clinical testing. Allele origin: germline.
Comment: This sequence change replaces arginine, which is basic and polar, with histidine, which is basic and polar, at codon 4 of the HSPB1 protein (p.Arg4His). In summary, the available evidence is currently insufficient to determine the role of this variant in disease. Therefore, it has been classified as a Variant of Uncertain Significance. Advanced modeling of protein sequence and biophysical properties (such as structural, functional, and spatial information, amino acid conservation, physicochemical variation, residue mobility, and thermodynamic stability) performed at Invitae indicates that this missense variant is not expected to disrupt HSPB1 protein function. This variant has not been reported in the literature in individuals affected with HSPB1-related conditions. This variant is present in population databases (rs748730374, gnomAD 0.003%).

NM_001540.5(HSPB1):c.11G>A (p.Arg4His)

Gene: HSPB1 (heat shock protein family B (small) member 1; plus strand). Cytogenetic location: 7q11.23.
Variant type: single nucleotide variant.
Coding change: c.11G>A on transcript NM_001540.5 (MANE Select); coding-DNA position 11, G replaced by A.
Protein change: p.Arg4His; replaces arginine 4 with histidine.
Molecular consequence: missense variant.
Genome position (GRCh38, 1-based): chr7:76,302,723, G>A. VCF-style: chr7-76302723-G-A. GRCh37 (hg19) VCF-style: chr7-75932040-G-A.
Other names: short protein forms R4H.
Identifiers: ClinVar variation 2894071 (VCV002894071.4), dbSNP rs748730374, ClinGen allele CA4306230.